The following is an entry in ClinVar:

NM_007272.3(CTRC):c.737G>A (p.Arg246His)

Gene: CTRC (chymotrypsin C; plus strand). Cytogenetic location: 1p36.21.
Variant type: single nucleotide variant.
Coding change: c.737G>A on transcript NM_007272.3 (MANE Select); coding-DNA position 737, G replaced by A.
Protein change: p.Arg246His; replaces arginine 246 with histidine.
Molecular consequence: missense variant.
Genome position (GRCh38, 1-based): chr1:15,445,694, G>A. VCF-style: chr1-15445694-G-A. GRCh37 (hg19) VCF-style: chr1-15772189-G-A.
Other names: short protein forms R246H.
Identifiers: ClinVar variation 827003 (VCV000827003.5), dbSNP rs147925927, ClinGen allele CA613457.

ClinVar aggregate classification (germline): Uncertain significance (1 of 4 stars; one submission).

Conditions:
Hereditary pancreatitis (PCTT). Also called: Hereditary chronic pancreatitis; PRSS1-Related Hereditary Pancreatitis. Identifiers: Orphanet 676, MedGen C0238339, MONDO:0008185, OMIM 167800.

Allele frequency attached by ClinVar (database versions not stated): TOPMed 0.00002; gnomAD 0.00003.

Submission:

Ambry Genetics
Classification: Uncertain significance for Hereditary pancreatitis. Last evaluated: 2024-08-18. Review status: criteria provided, single submitter. Criteria: Ambry Variant Classification Scheme 2023. Collection method: clinical testing. Allele origin: germline.
Comment: The p.R246H variant (also known as c.737G>A), located in coding exon 7 of the CTRC gene, results from a G to A substitution at nucleotide position 737. The arginine at codon 246 is replaced by histidine, an amino acid with highly similar properties. This amino acid position is poorly conserved in available vertebrate species. In addition, this alteration is predicted to be tolerated by in silico analysis. Since supporting evidence is limited at this time, the clinical significance of this alteration remains unclear.